The following is an entry in ClinVar:

ClinVar aggregate classification (germline): Uncertain significance (1 of 4 stars; one submission).

Submission:

GeneDx
Classification: Uncertain significance. Last evaluated: 2024-11-21. Review status: criteria provided, single submitter. Criteria: GeneDx Variant Classification Process June 2021. Collection method: clinical testing. Allele origin: germline. Affected: yes.
Comment: Not observed at significant frequency in large population cohorts (gnomAD); In silico analysis supports that this missense variant has a deleterious effect on protein structure/function; Has not been previously published as pathogenic or benign to our knowledge

NM_000807.4(GABRA2):c.659T>C (p.Leu220Pro)

Gene: GABRA2 (gamma-aminobutyric acid type A receptor subunit alpha2; minus strand). Cytogenetic location: 4p12.
Variant type: single nucleotide variant.
Coding change: c.659T>C on transcript NM_000807.4 (MANE Select); coding-DNA position 659, T replaced by C.
Protein change: p.Leu220Pro; replaces leucine 220 with proline.
Molecular consequence: missense variant.
Genome position (GRCh38, 1-based): chr4:46,305,612, A>G on the plus strand (T>C on the coding strand, the complement: GABRA2 is on the minus strand). VCF-style: chr4-46305612-A-G. GRCh37 (hg19) VCF-style: chr4-46307629-A-G.
Other names: c.659T>C, p.Leu220Pro (NM_001114175.3, NM_001330690.2, NM_001377144.1 and 8 more transcripts); c.494T>C, p.Leu165Pro (NM_001286827.3, NM_001377152.1, NM_001377153.1 and 1 more transcripts); short protein forms L165P, L220P.
Identifiers: ClinVar variation 3900492 (VCV003900492.1).
Genomic context (GRCh38, chr4:46,305,612, plus strand): 5'-GACTAATTTTACTAACCTGTACTGGATTTAATTGTCTCCTTTCCGATTGATTGGCCCAGC[A>G]GGTCATATTGATTTAACCTAGAGCCATCAGGAGCAACCTGTACTGAATCAGATGCATTGT-3'
Protein context (NP_000798.2, residues 210-230): PDGSRLNQYD[Leu220Pro]LGQSIGKETI